The following is an entry in ClinVar:

NM_001276345.2(TNNT2):c.548G>T (p.Arg183Leu)

Gene: TNNT2 (troponin T2, cardiac type; minus strand). Cytogenetic location: 1q32.1.
Variant type: single nucleotide variant.
Coding change: c.548G>T on transcript NM_001276345.2 (MANE Select); coding-DNA position 548, G replaced by T.
Protein change: p.Arg183Leu; replaces arginine 183 with leucine.
Molecular consequence: missense variant.
Genome position (GRCh38, 1-based): chr1:201,363,348, C>A on the plus strand (G>T on the coding strand, the complement: TNNT2 is on the minus strand). VCF-style: chr1-201363348-C-A. GRCh37 (hg19) VCF-style: chr1-201332476-C-A.
Other names: c.548G>T, p.Arg183Leu (NM_000364.4); c.518G>T, p.Arg173Leu (NM_001001430.3, NM_001001431.3, NM_001276347.2); c.503G>T, p.Arg168Leu (NM_001001432.3); c.428G>T, p.Arg143Leu (NM_001276346.2); short protein forms R173L, R183L, R143L, R168L.
Identifiers: ClinVar variation 691967 (VCV000691967.3), dbSNP rs397516471, ClinGen allele CA344204412.

ClinVar aggregate classification (germline): Pathogenic (1 of 4 stars; one submission).

Conditions:
Dilated cardiomyopathy 1D. Identifiers: Orphanet 154, Orphanet 54260, MedGen C1832243, MONDO:0011095, OMIM 601494.

Submission:

Petrovsky National Research Centre of Surgery, The Federal Agency for Scientific Organizations
Classification: Pathogenic for Dilated cardiomyopathy 1D. Last evaluated: 2019-07-18. Review status: criteria provided, single submitter. Criteria: ACMG Guidelines, 2015. Collection method: clinical testing. Allele origin: unknown. Inheritance: Autosomal dominant inheritance. Affected: yes. Observed: 2 heterozygotes. Clinical features observed: Primary dilated cardiomyopathy (HP:0001644).
Comment: The c.518G>T (R173L) variant is absent from large population studies (ExAC no frequency). There are known 2 different substitutions at 173 codon (R173Q, R173W) which have been classified as Pathogenic (rs397516471, PMID: 22517884) due to high importance of p.Arg173. Evaluation of R173L in our clinical center has been done in silico with NetGene2, SpliceSite predictors, Provean, Sift, PolyPhen2. All calculations result in deleterious/damaging effect. Based on evidences the c.518G>T (R173L) variant is classified as Pathogenic.